The following is an entry in ClinVar:

ClinVar aggregate classification (germline): Likely pathogenic (1 of 4 stars; one submission).

Conditions:
Infantile cerebral and cerebellar atrophy with postnatal progressive microcephaly (MSBA). Identifiers: Orphanet 402364, MedGen C3150921, MONDO:0013351, OMIM 613668.

Submission:

Natera, Inc.
Classification: Likely pathogenic for Postnatal progressive microcephaly with seizures and brain atrophy. Last evaluated: 2026-01-22. Review status: criteria provided, single submitter. Criteria: Natera Variant Classification Schema (03/2026). Collection method: clinical testing. Allele origin: germline.
Comment: The c.936_937del variant in MED17 is a frameshift variant predicted to shift the reading frame beginning at codon 313 and leads to a stop codon 6 codons downstream. This variant is expected to result in nonsense mediated decay, truncation, or a dysfunctional protein product. This variant is rare in the general population with a frequency below the threshold expected for the associated phenotype(s). Given the available evidence, this variant is classified as Likely Pathogenic.

NM_004268.5(MED17):c.936_937del (p.Arg313fs)

Gene: MED17 (mediator complex subunit 17; plus strand). Cytogenetic location: 11q21.
Variant type: Microsatellite.
Coding change: c.936_937del on transcript NM_004268.5 (MANE Select); coding-DNA positions 936 to 937, 2 bases deleted (TC; older notation c.936_937delTC).
Protein change: p.Arg313fs; shifts the reading frame from arginine 313.
Molecular consequence: frameshift variant.
Genome position (GRCh38, 1-based): chr11:93,794,984-93,794,985, TC deleted; deleting any 2 consecutive bases within chr11:93,794,979-93,794,985 gives the same sequence; the c. name uses the placement nearest the transcript's 3' end. VCF-style (leftmost placement, unchanged base first): chr11-93794978-GCT-G. GRCh37 (hg19) VCF-style: chr11-93528144-GCT-G.
Other names: short protein forms R313fs.
Identifiers: ClinVar variation 4815338 (VCV004815338.1).